The following is an entry in ClinVar:

NM_001077418.3(TMEM231):c.29C>G (p.Pro10Arg)

Gene: TMEM231 (transmembrane protein 231; minus strand). Cytogenetic location: 16q23.1.
Variant type: single nucleotide variant.
Coding change: c.29C>G on transcript NM_001077418.3 (MANE Select); coding-DNA position 29, C replaced by G.
Protein change: p.Pro10Arg; replaces proline 10 with arginine.
Molecular consequence: missense variant. On other transcripts: non-coding transcript variant (1).
Genome position (GRCh38, 1-based): chr16:75,556,181, G>C on the plus strand (C>G on the coding strand, the complement: TMEM231 is on the minus strand). VCF-style: chr16-75556181-G-C. GRCh37 (hg19) VCF-style: chr16-75590079-G-C.
Other names: c.91C>G, p.Arg31Gly (NM_001077416.2); short protein forms P10R, R31G.
Identifiers: ClinVar variation 2181351 (VCV002181351.5), dbSNP rs768459969, ClinGen allele CA8176315.
Genomic context (GRCh38, chr16:75,556,181, plus strand): 5'-GCCAGCAGCAGGAACAGCGCGGCTTTGGAGCAGAGCCCCGCGCGGTAACTGCGCTCGACC[G>C]GGTGAGAGAAGAGCTCATAGAGCGCCATGAGCACCGCTCGCAGGCACTCCGCGAGCCGGG-3'
Protein context (NP_001070886.1, residues 1-20): MALYELFSH[Pro10Arg]VERSYRAGLC

ClinVar aggregate classification (germline): Uncertain significance. Review status: criteria provided, multiple submitters, no conflicts (2 of 4 stars). 2 submissions from 2 submitters: Uncertain significance (2). Last evaluated 2022-12-21.

Conditions:
Meckel syndrome, type 11 (MKS11). Identifiers: Orphanet 564, MedGen C3809352, MONDO:0014164, OMIM 615397.
Joubert syndrome 20 (JBTS20). Identifiers: Orphanet 475, MedGen C3554235, MONDO:0013994, OMIM 614970.

Allele frequency attached by ClinVar (database versions not stated): gnomAD 0.00001; TOPMed 0.00002; ExAC 0.00003.
gnomAD v4.1: 24 of 1,522,098 alleles (0.0016%); highest among the groups gnomAD compares: South Asian, 0.0064%; no homozygotes.

Submissions (2):

Blueprint Genetics
Classification: Uncertain significance. Last evaluated: 2022-12-21. Review status: criteria provided, single submitter. Criteria: ACMG Guidelines, 2015. Collection method: clinical testing. Allele origin: germline.

Labcorp Genetics (formerly Invitae), Labcorp
Classification: Uncertain significance for Joubert syndrome 20; Meckel syndrome, type 11. Last evaluated: 2022-09-07. Review status: criteria provided, single submitter. Criteria: Invitae Variant Classification Sherloc (09022015). Collection method: clinical testing. Allele origin: germline.
Comment: This variant has not been reported in the literature in individuals affected with TMEM231-related conditions. Algorithms developed to predict the effect of missense changes on protein structure and function are either unavailable or do not agree on the potential impact of this missense change (SIFT: "Deleterious"; PolyPhen-2: "Not Available"; Align-GVGD: "Class C0"). In summary, the available evidence is currently insufficient to determine the role of this variant in disease. Therefore, it has been classified as a Variant of Uncertain Significance. This variant is present in population databases (rs768459969, gnomAD 0.01%). This sequence change replaces arginine, which is basic and polar, with glycine, which is neutral and non-polar, at codon 31 of the TMEM231 protein (p.Arg31Gly).